The following is an entry in ClinVar:

NM_006073.4(TRDN):c.902G>A (p.Arg301Lys)

Genes: TRDN (triadin; minus strand), TRDN-AS1 (TRDN antisense RNA 1; plus strand). Cytogenetic location: 6q22.31.
Variant type: single nucleotide variant.
Coding change: c.902G>A on transcript NM_006073.4 (MANE Select); coding-DNA position 902, G replaced by A.
Protein change: p.Arg301Lys; replaces arginine 301 with lysine.
Molecular consequence: missense variant.
Genome position (GRCh38, 1-based): chr6:123,464,935, C>T on the plus strand (G>A on the coding strand, the complement: TRDN is on the minus strand). VCF-style: chr6-123464935-C-T. GRCh37 (hg19) VCF-style: chr6-123786080-C-T.
Other names: c.902G>A, p.Arg301Lys (NM_001251987.2); c.842G>A, p.Arg281Lys (NM_001256020.2); short protein forms R301K, R281K.
Identifiers: ClinVar variation 519373 (VCV000519373.14), dbSNP rs780453421, ClinGen allele CA3984227.
Genomic context (GRCh38, chr6:123,464,935, plus strand): 5'-AGAGATCTTTAAGAAAAAAAAAAGTACTTGCCTTCAAGGGCAGGTGATGCCGGAGTGGGT[C>T]TGGAAGCTTGTTCTGTCGGTAAGGGAGGTGGAATGGCTGGGCTTTGTCCTACACAATGTA-3'
Protein context (NP_006064.2, residues 291-311): PPPLPTEQAS[Arg301Lys]PTPASPALEE

ClinVar aggregate classification (germline): Uncertain significance. Review status: criteria provided, multiple submitters, no conflicts (2 of 4 stars). 3 submissions from 3 submitters: Uncertain significance (3). Last evaluated 2025-04-09.

Conditions:
Cardiovascular phenotype. Identifiers: MedGen CN230736.
Catecholaminergic polymorphic ventricular tachycardia 5 (CARDAR). Also called: CARDIAC ARRHYTHMIA SYNDROME, WITH OR WITHOUT SKELETAL MUSCLE WEAKNESS; Ventricular tachycardia, catecholaminergic polymorphic, 5, with or without muscle weakness. Identifiers: Orphanet 3286, MedGen C3809536, MONDO:0014191, OMIM 615441.
Catecholaminergic polymorphic ventricular tachycardia 1. Also called: RYR2-Related Catecholaminergic Polymorphic Ventricular Tachycardia; VENTRICULAR TACHYCARDIA, CATECHOLAMINERGIC POLYMORPHIC, 1, WITH OR WITHOUT ATRIAL DYSFUNCTION AND/OR DILATED CARDIOMYOPATHY; VENTRICULAR TACHYCARDIA, STRESS-INDUCED POLYMORPHIC 1. Identifiers: Orphanet 3286, MedGen C1631597, MONDO:0011484, OMIM 604772.

Allele frequency attached by ClinVar (database versions not stated): gnomAD exomes below 0.00001; gnomAD 0.00001; TOPMed 0.00001; ExAC 0.00002.
gnomAD v4.1: 2 of 1,597,692 alleles (0.00013%); highest among the groups gnomAD compares: Admixed American, 0.0035%; no homozygotes.

Submissions (3):

ARUP Laboratories, Molecular Genetics and Genomics, ARUP Laboratories
Classification: Uncertain significance for Catecholaminergic polymorphic ventricular tachycardia 5. Last evaluated: 2025-04-09. Review status: criteria provided, single submitter. Criteria: ARUP Molecular Germline Variant Investigation Process 2024. Collection method: clinical testing. Allele origin: germline.
Comment: The TRDN c.902G>A; p.Arg301Lys variant (rs780453421), to our knowledge, is not reported in the medical literature but is reported in ClinVar (Variation ID: 519373). This variant is only observed on one allele in the Genome Aggregation Database (v2.1.1), indicating it is not a common polymorphism. Computational analyses predict that this variant is neutral (REVEL: 0.044). Due to limited information, the clinical significance of this variant is uncertain at this time.

Ambry Genetics
Classification: Uncertain significance for Cardiovascular phenotype. Last evaluated: 2024-06-17. Review status: criteria provided, single submitter. Criteria: Ambry Variant Classification Scheme 2023. Collection method: clinical testing. Allele origin: germline.
Comment: The p.R301K variant (also known as c.902G>A), located in coding exon 10 of the TRDN gene, results from a G to A substitution at nucleotide position 902. The arginine at codon 301 is replaced by lysine, an amino acid with highly similar properties. This amino acid position is not well conserved in available vertebrate species, and lysine is the reference amino acid in other vertebrate species. In addition, this alteration is predicted to be tolerated by in silico analysis. Since supporting evidence is limited at this time, the clinical significance of this alteration remains unclear.

Labcorp Genetics (formerly Invitae), Labcorp
Classification: Uncertain significance for Catecholaminergic polymorphic ventricular tachycardia 1. Last evaluated: 2021-08-28. Review status: criteria provided, single submitter. Criteria: Invitae Variant Classification Sherloc (09022015). Collection method: clinical testing. Allele origin: germline.
Comment: This sequence change replaces arginine with lysine at codon 301 of the TRDN protein (p.Arg301Lys). The arginine residue is weakly conserved and there is a small physicochemical difference between arginine and lysine. This variant is present in population databases (rs780453421, ExAC 0.04%). This variant has not been reported in the literature in individuals affected with TRDN-related conditions. ClinVar contains an entry for this variant (Variation ID: 519373). Algorithms developed to predict the effect of missense changes on protein structure and function output the following: SIFT: "Tolerated"; PolyPhen-2: "Benign"; Align-GVGD: "Class C0". The lysine amino acid residue is found in multiple mammalian species, which suggests that this missense change does not adversely affect protein function. In summary, the available evidence is currently insufficient to determine the role of this variant in disease. Therefore, it has been classified as a Variant of Uncertain Significance.